The following is an entry in ClinVar:

NM_002495.4(NDUFS4):c.-6A>T

Genes: NDUFS4 (NADH:ubiquinone oxidoreductase subunit S4; plus strand), LOC129993885 (ATAC-STARR-seq lymphoblastoid active region 22547; plus strand). Cytogenetic location: 5q11.2.
Variant type: single nucleotide variant.
Coding change: c.-6A>T on transcript NM_002495.4 (MANE Select); 6 bases upstream of the start codon, A replaced by T.
Molecular consequence: 5 prime UTR variant. On other transcripts: non-coding transcript variant (3).
Genome position (GRCh38, 1-based): chr5:53,560,657, A>T. VCF-style: chr5-53560657-A-T. GRCh37 (hg19) VCF-style: chr5-52856487-A-T.
Other names: c.-6A>T (NM_001318051.2, NM_002495.3).
Identifiers: ClinVar variation 214809 (VCV000214809.8), dbSNP rs73754255, ClinGen allele CA323173.

ClinVar aggregate classification (germline): Conflicting classifications of pathogenicity. Review status: criteria provided, conflicting classifications (1 of 4 stars). 5 submissions from 4 submitters: Uncertain significance (1); Benign (3). 1 of the submissions does not count toward it. Last evaluated 2022-07-21.

Conditions:
Leigh syndrome (NULS). Also called: LEIGH SYNDROME, NUCLEAR; Leigh Disease; Leigh's necrotizing encephalopathy; Leigh's disease; Leigh Syndrome (mtDNA deletion); Subacute necrotizing encephalopathy. Identifiers: Orphanet 506, MedGen C2931891, MONDO:0009723, OMIM 256000.
NDUFS4-related disorder. Also called: NDUFS4-related condition.
Mitochondrial complex I deficiency, nuclear type 1. Also called: NADH-COENZYME Q REDUCTASE DEFICIENCY; MITOCHONDRIAL NADH DEHYDROGENASE COMPONENT OF COMPLEX I, DEFICIENCY OF. Identifiers: MedGen C6022305, MONDO:0100224, OMIM 252010.

Allele frequency attached by ClinVar (database versions not stated): ExAC 0.00255; 1000 Genomes Project 0.00719; 1000 Genomes Project 30x 0.00765; TOPMed 0.00789; ESP Exome Variant Server 0.00869.
gnomAD v4.1: 2,231 of 1,614,262 alleles (0.14%); highest among the groups gnomAD compares: African/African-American, 2.6%; 25 homozygotes.

Submissions (5):

Mayo Clinic Laboratories, Mayo Clinic
Classification: Benign. Last evaluated: 2022-07-21. Review status: criteria provided, single submitter. Criteria: ACMG Guidelines, 2015. Collection method: clinical testing. Allele origin: germline. Observed: 8 variant alleles.
Comment: BS1, BS2

Illumina Laboratory Services, Illumina
Classification: Uncertain significance for Mitochondrial complex I deficiency, nuclear type 1. Last evaluated: 2018-01-13. Review status: criteria provided, single submitter. Criteria: ICSL Variant Classification Criteria 13 December 2019. Collection method: clinical testing. Allele origin: germline.

Illumina Laboratory Services, Illumina
Classification: Benign for Leigh syndrome. Last evaluated: 2018-01-13. Review status: criteria provided, single submitter. Criteria: ICSL Variant Classification Criteria 13 December 2019. Collection method: clinical testing. Allele origin: germline.
Comment: This variant was observed in the ICSL laboratory as part of a predisposition screen in an ostensibly healthy population. It had not been previously curated by ICSL or reported in the Human Gene Mutation Database (HGMD: prior to June 1st, 2018), and was therefore a candidate for classification through an automated scoring system. Utilizing variant allele frequency, disease prevalence and penetrance estimates, and inheritance mode, an automated score was calculated to assess if this variant is too frequent to cause the disease. Based on the score and internal cut-off values, a variant classified as benign is not then subjected to further curation. The score for this variant resulted in a classification of benign for this disease.

GeneDx
Classification: Benign. Last evaluated: 2014-07-14. Review status: criteria provided, single submitter. Criteria: GeneDx Variant Classification (06012015). Collection method: clinical testing. Allele origin: germline. Affected: yes.
Comment: This variant is considered likely benign or benign based on one or more of the following criteria: it is a conservative change, it occurs at a poorly conserved position in the protein, it is predicted to be benign by multiple in silico algorithms, and/or has population frequency not consistent with disease.

PreventionGenetics, part of Exact Sciences
Classification: Benign for NDUFS4-related condition. Last evaluated: 2019-09-11. Review status: no assertion criteria provided. Collection method: clinical testing. Allele origin: germline. Not counted in ClinVar's aggregate classification.
Comment: This variant is classified as benign based on ACMG/AMP sequence variant interpretation guidelines (Richards et al. 2015 PMID: 25741868, with internal and published modifications).